The following is an entry in ClinVar:

NM_000747.3(CHRNB1):c.270G>A (p.Trp90Ter)

Gene: CHRNB1 (cholinergic receptor nicotinic beta 1 subunit; plus strand). Cytogenetic location: 17p13.1.
Variant type: single nucleotide variant.
Coding change: c.270G>A on transcript NM_000747.3 (MANE Select); coding-DNA position 270, G replaced by A.
Protein change: p.Trp90Ter; replaces tryptophan 90 with a stop codon.
Molecular consequence: nonsense.
Genome position (GRCh38, 1-based): chr17:7,446,859, G>A. VCF-style: chr17-7446859-G-A. GRCh37 (hg19) VCF-style: chr17-7350178-G-A.
Other names: short protein forms W90*.
Identifiers: ClinVar variation 3703779 (VCV003703779.2).
Genomic context (GRCh38, chr17:7,446,859, plus strand): 5'-ACCCGGGGCAGCCCCTCAGCCTCTGCTTCACTAGGAGTGGACTGACTACAGGCTGAGCTG[G>A]GACCCTGCGGAGCACGACGGCATCGATTCGCTCCGCATCACGGCGGAATCCGTGTGGCTC-3'

ClinVar aggregate classification (germline): Pathogenic (1 of 4 stars; one submission).

Conditions:
Congenital myasthenic syndrome 2A. Also called: Myasthenic syndrome, congenital, 2a, slow-channel. Identifiers: Orphanet 590, MedGen C4225374, MONDO:0014581, OMIM 616313.

gnomAD v4.1: 5 of 1,613,990 alleles (0.00031%); highest among the groups gnomAD compares: African/African-American, 0.0053%; no homozygotes.

Submission:

Labcorp Genetics (formerly Invitae), Labcorp
Classification: Pathogenic for Congenital myasthenic syndrome 2A. Last evaluated: 2024-12-10. Review status: criteria provided, single submitter. Criteria: Invitae Variant Classification Sherloc (09022015). Collection method: clinical testing. Allele origin: germline.
Comment: This sequence change creates a premature translational stop signal (p.Trp90*) in the CHRNB1 gene. It is expected to result in an absent or disrupted protein product. Loss-of-function variants in CHRNB1 are known to be pathogenic (PMID: 10562302). This variant is present in population databases (rs555170218, gnomAD 0.008%). This variant has not been reported in the literature in individuals affected with CHRNB1-related conditions. For these reasons, this variant has been classified as Pathogenic.

Literature cited by the submitters: PubMed 10562302.